The following is an entry in ClinVar:

ClinVar aggregate classification (germline): Uncertain significance (1 of 4 stars; one submission).

Conditions:
Hereditary cancer-predisposing syndrome. Also called: Neoplastic Syndromes, Hereditary; Tumor predisposition; Hereditary Cancer Syndrome; Hereditary neoplastic syndrome. Identifiers: Orphanet 140162, MedGen C0027672, MeSH D009386, MONDO:0015356.

Submission:

Ambry Genetics
Classification: Uncertain significance for Hereditary cancer-predisposing syndrome. Last evaluated: 2026-06-10. Review status: criteria provided, single submitter. Criteria: Ambry Variant Classification Scheme 2023. Collection method: clinical testing. Allele origin: germline.
Comment: The c.2954-4_2954-2delGCAinsTCC intronic variant begins 4 nucleotides before coding exon 23 in the POLD1 gene. This variant results from a deletion of 3 nucleotides and insertion of 3 nucleotides at positions c.2954-4 to c.2954-2. This nucleotide region is not well conserved in available vertebrate species. In silico splice site analysis predicts that this alteration will weaken the native splice acceptor site and may result in the creation or strengthening of a novel splice acceptor site. Based on the available evidence, the clinical significance of this variant remains unclear.

NM_002691.4(POLD1):c.2954-4_2954-2delinsTCC

Gene: POLD1 (DNA polymerase delta 1, catalytic subunit; plus strand). Cytogenetic location: 19q13.33.
Variant type: Indel.
Coding change: c.2954-4_2954-2delinsTCC on transcript NM_002691.4 (MANE Select); 4 bases into the intron before coding-DNA position 2954 through the canonical splice acceptor site of the intron before coding-DNA position 2954, GCA replaced by TCC.
Molecular consequence: splice acceptor variant.
Genome position (GRCh38, 1-based): chr19:50,416,606-50,416,608, GCA replaced by TCC. VCF-style: chr19-50416606-GCA-TCC. GRCh37 (hg19) VCF-style: chr19-50919863-GCA-TCC.
Other names: c.2954-4_2954-2delinsTCC (NM_001256849.1, NM_001438212.1, NM_001438213.1); c.2882-4_2882-2delinsTCC (NM_001438210.1, NM_001438211.1); c.3032-4_3032-2delinsTCC (NM_001308632.1).
Identifiers: ClinVar variation 4862160 (VCV004862160.1).